The following is an entry in ClinVar:

ClinVar aggregate classification (germline): Uncertain significance. Review status: criteria provided, multiple submitters, no conflicts (2 of 4 stars). 2 submissions from 2 submitters: Uncertain significance (2). Last evaluated 2025-12-08.

Conditions:
Hereditary breast ovarian cancer syndrome. Also called: Hereditary breast and ovarian cancer syndrome; BRCA1- and BRCA2-Associated Hereditary Breast and Ovarian Cancer; Hereditary breast and/or ovarian cancer syndrome; Breast and ovarian cancer; Hereditary breast and ovarian cancer; Hereditary breast and ovarian cancer syndrome (HBOC). Identifiers: Orphanet 145, MedGen C0677776, MeSH D061325, MONDO:0003582. Disease mechanism: loss of function.

Submissions (2):

Labcorp Genetics (formerly Invitae), Labcorp
Classification: Uncertain significance for Hereditary breast ovarian cancer syndrome. Last evaluated: 2025-12-08. Review status: criteria provided, single submitter. Criteria: Invitae Variant Classification Sherloc (09022015). Collection method: clinical testing. Allele origin: germline.
Comment: This sequence change replaces proline, which is neutral and non-polar, with serine, which is neutral and polar, at codon 3039 of the BRCA2 protein (p.Pro3039Ser). This variant is not present in population databases (gnomAD no frequency). This variant has not been reported in the literature in individuals affected with BRCA2-related conditions. ClinVar contains an entry for this variant (Variation ID: 449811). An algorithm developed to predict the effect of missense changes on protein structure and function outputs the following: PolyPhen-2: "Benign". The serine amino acid residue is found in multiple mammalian species, which suggests that this missense change does not adversely affect protein function. In summary, the available evidence is currently insufficient to determine the role of this variant in disease. Therefore, it has been classified as a Variant of Uncertain Significance.

GeneDx
Classification: Uncertain significance. Last evaluated: 2017-04-14. Review status: criteria provided, single submitter. Criteria: GeneDx Variant Classification (06012015). Collection method: clinical testing. Allele origin: germline. Affected: yes.
Comment: This variant is denoted BRCA2 c.9115C>T at the cDNA level, p.Pro3039Ser (P3039S) at the protein level, and results in the change of a Proline to a Serine (CCG>TCG). Using alternate nomenclature, this variant would be defined as BRCA2 9343C>T. This variant has not, to our knowledge, been published in the literature as a germline variant; however, it has been reported as a somatic variant in a pancreatic ductal cancer (Witkiewicz 2015). BRCA2 Pro3039Ser was not observed in large population cohorts (Lek 2016, The 1000 Genomes Consortium 2015, NHLBI Exome Sequencing Project). Since Proline and Serine differ in polarity, charge, size or other properties, this is considered a non-conservative amino acid substitution. BRCA2 Pro3039Ser occurs at a position that is not conserved and is located in the DNA binding domain (Yang 2002). In silico analyses are inconsistent regarding the effect this variant may have on protein structure and function. Based on currently available evidence, it is unclear whether BRCA2 Pro3039Ser is a pathogenic or benign variant. We consider it to be a variant of uncertain significance.

NM_000059.4(BRCA2):c.9115C>T (p.Pro3039Ser)

Gene: BRCA2 (BRCA2 DNA repair associated; plus strand). Cytogenetic location: 13q13.1.
Variant type: single nucleotide variant.
Coding change: c.9115C>T on transcript NM_000059.4 (MANE Select); coding-DNA position 9115, C replaced by T.
Protein change: p.Pro3039Ser; replaces proline 3039 with serine.
Molecular consequence: missense variant.
Genome position (GRCh38, 1-based): chr13:32,379,911, C>T. VCF-style: chr13-32379911-C-T. GRCh37 (hg19) VCF-style: chr13-32954048-C-T.
Other names: short protein forms P3039S.
Identifiers: ClinVar variation 449811 (VCV000449811.7), dbSNP rs1555288514, ClinGen allele CA387757752.
Genomic context (GRCh38, chr13:32,379,911, plus strand): 5'-AAATCTGAAAGAGCTAACATACAGTTAGCAGCGACAAAAAAAACTCAGTATCAACAACTA[C>T]CGGTACAAACCTTTCATTGTAATTTTTCAGTTTTGATAAGTGCTTGTTAGTTTATGGAAT-3'
Protein context (NP_000050.3, residues 3029-3049): ATKKTQYQQL[Pro3039Ser]VSDEILFQIY